The following is an entry in ClinVar:

ClinVar aggregate classification (germline): Benign/Likely benign. Review status: criteria provided, multiple submitters, no conflicts (2 of 4 stars). 8 submissions from 8 submitters: Benign (1); Likely benign (7). Last evaluated 2026-03-31.

Conditions:
Autoinflammatory syndrome. Identifiers: Orphanet 93665, MedGen C3890737, MONDO:0019751.
Majeed syndrome (MJDS). Also called: LPIN2-Related Majeed Syndrome; CHRONIC RECURRENT MULTIFOCAL OSTEOMYELITIS 1, WITH CONGENITAL DYSERYTHROPOIETIC ANEMIA, WITH OR WITHOUT NEUTROPHILIC DERMATOSIS. Identifiers: Orphanet 77297, MedGen C1864997, MONDO:0012316, OMIM 609628.

Allele frequency attached by ClinVar (database versions not stated): gnomAD exomes 0.00019; ExAC 0.00021; 1000 Genomes Project 0.00040; 1000 Genomes Project 30x 0.00062; gnomAD 0.00064 and 0.00066; TOPMed 0.00066; ESP Exome Variant Server 0.00077.
gnomAD v4.1: 245 of 1,614,014 alleles (0.015%); highest among the groups gnomAD compares: African/African-American, 0.22%; no homozygotes.

Submissions (9):

Women's Health and Genetics/Laboratory Corporation of America, LabCorp
Classification: Likely benign. Last evaluated: 2026-03-31. Review status: criteria provided, single submitter. Criteria: LabCorp Variant Classification Summary - May 2015. Collection method: clinical testing. Allele origin: germline.

Labcorp Genetics (formerly Invitae), Labcorp
Classification: Likely benign for Majeed syndrome. Last evaluated: 2026-01-26. Review status: criteria provided, single submitter. Criteria: Invitae Variant Classification Sherloc (09022015). Collection method: clinical testing. Allele origin: germline.

CeGaT Center for Human Genetics Tuebingen
Classification: Likely benign. Last evaluated: 2025-11-01. Review status: criteria provided, single submitter. Criteria: CeGaT Center For Human Genetics Tuebingen Variant Classification Criteria Version 2. Collection method: clinical testing. Allele origin: germline. Affected: yes. Observed: 1 variant allele.
Comment: LPIN2: BP4, BP7

Blueprint Genetics
Classification: Likely benign. Last evaluated: 2023-11-23. Review status: criteria provided, single submitter. Criteria: ACMG Guidelines, 2015. Collection method: clinical testing. Allele origin: germline.

Genome Diagnostics Laboratory, The Hospital for Sick Children
Classification: Likely benign for Autoinflammatory syndrome. Last evaluated: 2019-11-01. Review status: criteria provided, single submitter. Criteria: ACMG Guidelines, 2015. Collection method: clinical testing. Allele origin: germline. Affected: yes.

ARUP Laboratories, Molecular Genetics and Genomics, ARUP Laboratories
Classification: Benign. Last evaluated: 2017-05-09. Review status: criteria provided, single submitter. Criteria: ARUP Molecular Germline Variant Investigation Process. Collection method: clinical testing. Allele origin: germline.

GeneDx
Classification: Likely benign. Last evaluated: 2016-10-04. Review status: criteria provided, single submitter. Criteria: GeneDx Variant Classification (06012015). Collection method: clinical testing. Allele origin: germline. Affected: yes.
Comment: This variant is considered likely benign or benign based on one or more of the following criteria: it is a conservative change, it occurs at a poorly conserved position in the protein, it is predicted to be benign by multiple in silico algorithms, and/or has population frequency not consistent with disease.

Breakthrough Genomics
Classification: Likely benign. Review status: criteria provided, single submitter. Criteria: ACMG Guidelines, 2015. Collection method: not provided. Allele origin: germline. Inheritance: Unknown mechanism. Affected: yes.

Dr. Peter K. Rogan Lab, Western University
No classification provided (evidence only). Condition: Uterine carcinosarcoma. Review status: no classification provided. Collection method: in vitro. Allele origin: not applicable. Functional consequence: retained intron. Not counted in ClinVar's aggregate classification.

NM_001375808.2(LPIN2):c.1815G>A (p.Ser605=)

Gene: LPIN2 (lipin 2; minus strand). Cytogenetic location: 18p11.31.
Variant type: single nucleotide variant.
Coding change: c.1815G>A on transcript NM_001375808.2 (MANE Select); coding-DNA position 1815, G replaced by A.
Protein change: p.Ser605=; no amino-acid change (serine 605 retained).
Molecular consequence: synonymous variant.
Genome position (GRCh38, 1-based): chr18:2,925,347, C>T on the plus strand (G>A on the coding strand, the complement: LPIN2 is on the minus strand). VCF-style: chr18-2925347-C-T. GRCh37 (hg19) VCF-style: chr18-2925345-C-T.
Other names: c.1815G>A, p.Ser605= (NM_001375809.1, NM_014646.2).
Identifiers: ClinVar variation 378094 (VCV000378094.32), dbSNP rs143702044, ClinGen allele CA8872940.
Genomic context (GRCh38, chr18:2,925,347, plus strand): 5'-CTCTGTGGGGATGGGGTCCACTGTGATGGATTCTTCGAGCTCCTGTGATCCCTCGTCACT[C>T]GAGGAGTCATTCTCGGCCGGCCTGTTCAACATTAGCCCAGTTACGGAAGAGGCAGCAGGG-3'
Protein context (NP_001362737.1, residues 595-615): AGARPAENDS[Ser605=]SDEGSQELEE